The following is an entry in ClinVar:

ClinVar aggregate classification (germline): Uncertain significance (1 of 4 stars; one submission).

Submission:

Labcorp Genetics (formerly Invitae), Labcorp
Classification: Uncertain significance. Last evaluated: 2024-04-16. Review status: criteria provided, single submitter. Criteria: Invitae Variant Classification Sherloc (09022015). Collection method: clinical testing. Allele origin: germline.
Comment: This sequence change replaces tyrosine, which is neutral and polar, with asparagine, which is neutral and polar, at codon 654 of the SLC12A6 protein (p.Tyr654Asn). This variant is not present in population databases (gnomAD no frequency). This variant has not been reported in the literature in individuals affected with SLC12A6-related conditions. Advanced modeling of protein sequence and biophysical properties (such as structural, functional, and spatial information, amino acid conservation, physicochemical variation, residue mobility, and thermodynamic stability) performed at Invitae indicates that this missense variant is expected to disrupt SLC12A6 protein function with a positive predictive value of 80%. In summary, the available evidence is currently insufficient to determine the role of this variant in disease. Therefore, it has been classified as a Variant of Uncertain Significance.

NM_001365088.1(SLC12A6):c.1960T>A (p.Tyr654Asn)

Gene: SLC12A6 (solute carrier family 12 member 6; minus strand). Cytogenetic location: 15q14.
Variant type: single nucleotide variant.
Coding change: c.1960T>A on transcript NM_001365088.1 (MANE Select); coding-DNA position 1960, T replaced by A.
Protein change: p.Tyr654Asn; replaces tyrosine 654 with asparagine.
Molecular consequence: missense variant.
Genome position (GRCh38, 1-based): chr15:34,244,056, A>T on the plus strand (T>A on the coding strand, the complement: SLC12A6 is on the minus strand). VCF-style: chr15-34244056-A-T. GRCh37 (hg19) VCF-style: chr15-34536257-A-T.
Other names: c.1783T>A, p.Tyr595Asn (NM_001042494.2, NM_001042495.2); c.1933T>A, p.Tyr645Asn (NM_001042496.2); c.1915T>A, p.Tyr639Asn (NM_001042497.2); c.1807T>A, p.Tyr603Asn (NM_005135.2); c.1960T>A, p.Tyr654Asn (NM_133647.2); short protein forms Y603N, Y639N, Y654N, Y595N, Y645N.
Identifiers: ClinVar variation 2734419 (VCV002734419.3), dbSNP rs2509775107, ClinGen allele CA391620645.